The following is an entry in ClinVar:

NM_001042492.3(NF1):c.1393-5_1398del

Gene: NF1 (neurofibromin 1; plus strand). Cytogenetic location: 17q11.2.
Variant type: Deletion.
Coding change: c.1393-5_1398del on transcript NM_001042492.3 (MANE Select); 5 bases into the intron before coding-DNA position 1393 through coding-DNA position 1398, 11 bases deleted (TTTAGAGTCTT).
Molecular consequence: splice acceptor variant.
Genome position (GRCh38, 1-based): chr17:31,214,446-31,214,456, TTTAGAGTCTT deleted; deleting any 11 consecutive bases within chr17:31,214,444-31,214,456 gives the same sequence; the c. name uses the placement nearest the transcript's 3' end. VCF-style (leftmost placement, unchanged base first): chr17-31214443-GTTTTTAGAGTC-G. GRCh37 (hg19) VCF-style: chr17-29541461-GTTTTTAGAGTC-G.
Other names: c.1393-5_1398del (NM_000267.4, NM_001128147.3).
Identifiers: ClinVar variation 1067362 (VCV001067362.5), dbSNP rs2143958483, ClinGen allele CA2499223993.

ClinVar aggregate classification (germline): Likely pathogenic (1 of 4 stars; one submission).

Conditions:
Neurofibromatosis, type 1 (NF1). Also called: VON RECKLINGHAUSEN DISEASE; Peripheral type neurofibromatosis; NEUROFIBROMATOSIS, TYPE I, SOMATIC; Neurofibromatosis, type I. Identifiers: Orphanet 636, MedGen C0027831, MONDO:0018975, OMIM 162200. Disease mechanism: loss of function.

Submission:

Labcorp Genetics (formerly Invitae), Labcorp
Classification: Likely pathogenic for Neurofibromatosis, type 1. Last evaluated: 2020-05-25. Review status: criteria provided, single submitter. Criteria: Invitae Variant Classification Sherloc (09022015). Collection method: clinical testing. Allele origin: germline.
Comment: Loss-of-function variants in NF1 are known to be pathogenic (PMID: 10712197, 23913538). In summary, the currently available evidence indicates that the variant is pathogenic, but additional data are needed to prove that conclusively. Therefore, this variant has been classified as Likely Pathogenic. Algorithms developed to predict the effect of sequence changes on RNA splicing suggest that this variant may disrupt the consensus splice site, but this prediction has not been confirmed by published transcriptional studies. This variant results in the deletion of part of exon 13 (c.1393-5_1398del) of the NF1 gene. It is expected to disrupt RNA splicing and likely results in an absent or disrupted protein product. This variant is not present in population databases (ExAC no frequency). This variant has not been reported in the literature in individuals with NF1-related conditions.

Literature cited by the submitters: PubMed 10712197; PubMed 23913538.